The following is an entry in ClinVar:

ClinVar aggregate classification (germline): Conflicting classifications of pathogenicity. Review status: criteria provided, conflicting classifications (1 of 4 stars). 2 submissions from 2 submitters: Likely pathogenic (1); Uncertain significance (1). Last evaluated 2024-06-18.

Conditions:
Ovarian cancer. Also called: OVARIAN CANCER, SOMATIC. Identifiers: Orphanet 213500, MedGen C1140680, MONDO:0008170, OMIM 167000.
Bloom syndrome (BLM). Also called: Bloom-Torre-Machacek syndrome. Identifiers: Orphanet 125, MedGen C0005859, MONDO:0008876, OMIM 210900.

Submissions (2):

Labcorp Genetics (formerly Invitae), Labcorp
Classification: Uncertain significance for Bloom syndrome. Last evaluated: 2024-06-18. Review status: criteria provided, single submitter. Criteria: Invitae Variant Classification Sherloc (09022015). Collection method: clinical testing. Allele origin: germline.
Comment: This sequence change replaces alanine, which is neutral and non-polar, with valine, which is neutral and non-polar, at codon 833 of the BLM protein (p.Ala833Val). This variant is not present in population databases (gnomAD no frequency). This variant has not been reported in the literature in individuals affected with BLM-related conditions. ClinVar contains an entry for this variant (Variation ID: 2445358). Advanced modeling of protein sequence and biophysical properties (such as structural, functional, and spatial information, amino acid conservation, physicochemical variation, residue mobility, and thermodynamic stability) performed at Invitae indicates that this missense variant is expected to disrupt BLM protein function with a positive predictive value of 80%. In summary, the available evidence is currently insufficient to determine the role of this variant in disease. Therefore, it has been classified as a Variant of Uncertain Significance.

Laboratory of Molecular Epidemiology of Birth Defects, West China Second University Hospital, Sichuan University
Classification: Likely pathogenic for Ovarian cancer. Last evaluated: 2022-01-01. Review status: criteria provided, single submitter. Criteria: ACMG Guidelines, 2015. Collection method: clinical testing. Allele origin: germline. Affected: yes.

NM_000057.4(BLM):c.2498C>T (p.Ala833Val)

Gene: BLM (BLM RecQ like helicase; plus strand). Cytogenetic location: 15q26.1.
Variant type: single nucleotide variant.
Coding change: c.2498C>T on transcript NM_000057.4 (MANE Select); coding-DNA position 2498, C replaced by T.
Protein change: p.Ala833Val; replaces alanine 833 with valine.
Molecular consequence: missense variant.
Genome position (GRCh38, 1-based): chr15:90,769,529, C>T. VCF-style: chr15-90769529-C-T. GRCh37 (hg19) VCF-style: chr15-91312759-C-T.
Other names: c.2498C>T, p.Ala833Val (NM_001287246.2, NM_001287247.2); c.1373C>T, p.Ala458Val (NM_001287248.2); short protein forms A458V, A833V.
Identifiers: ClinVar variation 2445358 (VCV002445358.4), dbSNP rs2505456977, ClinGen allele CA393845446.